The following is an entry in ClinVar:

ClinVar aggregate classification (germline): Uncertain significance (1 of 4 stars; one submission).

Conditions:
Inborn genetic diseases. Identifiers: MedGen C0950123, MeSH D030342.

Submission:

Ambry Genetics
Classification: Uncertain significance for Inborn genetic diseases. Last evaluated: 2025-03-30. Review status: criteria provided, single submitter. Criteria: Ambry Variant Classification Scheme 2023. Collection method: clinical testing. Allele origin: germline.
Comment: The p.G1417D variant (also known as c.4250G>A), located in coding exon 30 of the ANKRD26 gene, results from a G to A substitution at nucleotide position 4250. The glycine at codon 1417 is replaced by aspartic acid, an amino acid with similar properties. This amino acid position is conserved. In addition, this alteration is predicted to be tolerated by in silico analysis. Based on the available evidence, the clinical significance of this variant remains unclear.

NM_014915.3(ANKRD26):c.4250G>A (p.Gly1417Asp)

Gene: ANKRD26 (ankyrin repeat domain containing 26; minus strand). Cytogenetic location: 10p12.1.
Variant type: single nucleotide variant.
Coding change: c.4250G>A on transcript NM_014915.3 (MANE Select); coding-DNA position 4250, G replaced by A.
Protein change: p.Gly1417Asp; replaces glycine 1417 with aspartic acid.
Molecular consequence: missense variant.
Genome position (GRCh38, 1-based): chr10:27,017,758, C>T on the plus strand (G>A on the coding strand, the complement: ANKRD26 is on the minus strand). VCF-style: chr10-27017758-C-T. GRCh37 (hg19) VCF-style: chr10-27306687-C-T.
Other names: c.4247G>A, p.Gly1416Asp (NM_001256053.2); short protein forms G1416D, G1417D.
Identifiers: ClinVar variation 3913439 (VCV003913439.1).